The following is an entry in ClinVar:

NM_001620.3(AHNAK):c.7562C>G (p.Pro2521Arg)

Gene: AHNAK (AHNAK nucleoprotein; minus strand). Cytogenetic location: 11q12.3.
Variant type: single nucleotide variant.
Coding change: c.7562C>G on transcript NM_001620.3 (MANE Select); coding-DNA position 7562, C replaced by G.
Protein change: p.Pro2521Arg; replaces proline 2521 with arginine.
Molecular consequence: missense variant. On other transcripts: intron variant (1).
Genome position (GRCh38, 1-based): chr11:62,526,855, G>C on the plus strand (C>G on the coding strand, the complement: AHNAK is on the minus strand). VCF-style: chr11-62526855-G-C. GRCh37 (hg19) VCF-style: chr11-62294327-G-C.
Other names: c.7562C>G, p.Pro2521Arg (NM_001346445.2, NM_001346446.2); c.342+8148C>G (NM_024060.4); short protein forms P2521R.
Identifiers: ClinVar variation 190260 (VCV000190260.28), dbSNP rs143391519, ClinGen allele CA277641.
Genomic context (GRCh38, chr11:62,526,855, plus strand): 5'-ATGTCAACGTCAGCCTTAGGCAAGTTGACGTCTACTTCAGGGCCCTCTGCTTTGAAGCCA[G>C]GCATGCTGAACTTGGGCATTTTCATCTTGGGCATCTTCAGGTGCCAGTCTGGAGCTTGGA-3'
Protein context (NP_001611.1, residues 2511-2531): PKMKMPKFSM[Pro2521Arg]GFKAEGPEVD

ClinVar aggregate classification (germline): Benign/Likely benign. Review status: criteria provided, multiple submitters, no conflicts (2 of 4 stars). 4 submissions from 4 submitters: Benign (2); Likely benign (1). 1 of the submissions does not count toward it. Last evaluated 2023-12-01.

Conditions:
Hirschsprung disease, susceptibility to, 1 (HSCR1). Also called: RET-Related Hirschsprung Disease. Identifiers: Orphanet 388, MedGen C3888239, MONDO:0007723, OMIM 142623.

Allele frequency attached by ClinVar (database versions not stated): gnomAD 0.00039 and 0.00043; TOPMed 0.00051; gnomAD exomes 0.00053 and 0.00089; 1000 Genomes Project 0.00060; 1000 Genomes Project 30x 0.00062; ESP Exome Variant Server 0.00077; ExAC 0.00081.

Submissions (4):

CeGaT Center for Human Genetics Tuebingen
Classification: Likely benign. Last evaluated: 2023-12-01. Review status: criteria provided, single submitter. Criteria: CeGaT Center For Human Genetics Tuebingen Variant Classification Criteria Version 2. Collection method: clinical testing. Allele origin: germline. Affected: yes. Observed: 1 variant allele.
Comment: AHNAK: BP4, BS2

Labcorp Genetics (formerly Invitae), Labcorp
Classification: Benign. Last evaluated: 2019-12-31. Review status: criteria provided, single submitter. Criteria: Invitae Variant Classification Sherloc (09022015). Collection method: clinical testing. Allele origin: germline.

Breakthrough Genomics
Classification: Benign. Review status: criteria provided, single submitter. Criteria: ACMG Guidelines, 2015. Collection method: not provided. Allele origin: germline. Inheritance: Unknown mechanism. Affected: yes.

Department of Genetics, Reproduction and Fetal Medicine., Institute of Biomedicine of Seville (IBIS), University Hospital Virgen del Rocío/CSIC/University of Seville.
Classification: Uncertain significance for Hirschsprung disease 1. Last evaluated: 2015-04-01. Review status: no assertion criteria provided. Collection method: research. Allele origin: germline. Affected: yes. Not counted in ClinVar's aggregate classification.